The following is an entry in ClinVar:

ClinVar aggregate classification (germline): Uncertain significance. Review status: criteria provided, multiple submitters, no conflicts (2 of 4 stars). 2 submissions from 2 submitters: Uncertain significance (2). Last evaluated 2026-08-12.

Conditions:
SEMA3D-related disorder. Also called: SEMA3D-related condition.

gnomAD v4.1: 54 of 1,388,898 alleles (0.0039%); highest among the groups gnomAD compares: African/African-American, 0.071%; no homozygotes.

Submissions (2):

PreventionGenetics, part of Exact Sciences
Classification: Uncertain significance for SEMA3D-related condition. Last evaluated: 2026-08-12. Review status: criteria provided, single submitter. Criteria: ACMG Guidelines, 2015. Collection method: clinical testing. Allele origin: germline.
Comment: The SEMA3D c.989T>C variant is predicted to result in the amino acid substitution p.Leu330Ser. To our knowledge, this variant has not been reported in the literature. This variant is reported in 0.040% of alleles in individuals of African descent in gnomAD. At this time, the clinical significance of this variant is uncertain due to the absence of conclusive functional and genetic evidence.

Ambry Genetics
Classification: Uncertain significance. Last evaluated: 2024-05-16. Review status: criteria provided, single submitter. Criteria: Ambry Variant Classification Scheme 2023. Collection method: clinical testing. Allele origin: germline.

NM_001384900.1(SEMA3D):c.989T>C (p.Leu330Ser)

Gene: SEMA3D (semaphorin 3D; minus strand). Cytogenetic location: 7q21.11.
Variant type: single nucleotide variant.
Coding change: c.989T>C on transcript NM_001384900.1 (MANE Select); coding-DNA position 989, T replaced by C.
Protein change: p.Leu330Ser; replaces leucine 330 with serine.
Molecular consequence: missense variant.
Genome position (GRCh38, 1-based): chr7:85,040,730, A>G on the plus strand (T>C on the coding strand, the complement: SEMA3D is on the minus strand). VCF-style: chr7-85040730-A-G. GRCh37 (hg19) VCF-style: chr7-84670046-A-G.
Other names: c.989T>C, p.Leu330Ser (NM_001384901.1, NM_001384902.1, NM_001384903.1 and 1 more transcripts); short protein forms L330S.
Identifiers: ClinVar variation 3317287 (VCV003317287.3).